The following is an entry in ClinVar:

ClinVar aggregate classification (germline): Uncertain significance (1 of 4 stars; one submission).

Conditions:
PHGDH deficiency. Identifiers: Orphanet 79351, MedGen C1866174, MONDO:0011152, OMIM 601815.

Allele frequency attached by ClinVar (database versions not stated): gnomAD exomes below 0.00001 and 0.00001; gnomAD 0.00001; TOPMed 0.00001.
gnomAD v4.1: 16 of 1,613,864 alleles (0.00099%); highest among the groups gnomAD compares: African/African-American, 0.0013%; no homozygotes.

Submission:

Labcorp Genetics (formerly Invitae), Labcorp
Classification: Uncertain significance for PHGDH deficiency. Last evaluated: 2022-02-02. Review status: criteria provided, single submitter. Criteria: Invitae Variant Classification Sherloc (09022015). Collection method: clinical testing. Allele origin: germline.
Comment: This sequence change replaces alanine, which is neutral and non-polar, with threonine, which is neutral and polar, at codon 184 of the PHGDH protein (p.Ala184Thr). This variant is present in population databases (no rsID available, gnomAD 0.0009%). This variant has not been reported in the literature in individuals affected with PHGDH-related conditions. Algorithms developed to predict the effect of missense changes on protein structure and function are either unavailable or do not agree on the potential impact of this missense change (SIFT: "Tolerated"; PolyPhen-2: "Possibly Damaging"; Align-GVGD: "Class C0"). In summary, the available evidence is currently insufficient to determine the role of this variant in disease. Therefore, it has been classified as a Variant of Uncertain Significance.

NM_006623.4(PHGDH):c.550G>A (p.Ala184Thr)

Gene: PHGDH (phosphoglycerate dehydrogenase; plus strand). Cytogenetic location: 1p12.
Variant type: single nucleotide variant.
Coding change: c.550G>A on transcript NM_006623.4 (MANE Select); coding-DNA position 550, G replaced by A.
Protein change: p.Ala184Thr; replaces alanine 184 with threonine.
Molecular consequence: missense variant.
Genome position (GRCh38, 1-based): chr1:119,734,673, G>A. VCF-style: chr1-119734673-G-A. GRCh37 (hg19) VCF-style: chr1-120277296-G-A.
Other names: short protein forms A184T.
Identifiers: ClinVar variation 1398894 (VCV001398894.5), dbSNP rs956791237, ClinGen allele CA30259762.